The following is an entry in ClinVar:

ClinVar aggregate classification (germline): Likely benign. Review status: criteria provided, multiple submitters, no conflicts (2 of 4 stars). 4 submissions from 4 submitters: Likely benign (3). 1 of the submissions does not count toward it. Last evaluated 2026-07-01.

Conditions:
MAPK8IP3-related disorder. Also called: MAPK8IP3-related condition.
Inborn genetic diseases. Identifiers: MedGen C0950123, MeSH D030342.

Allele frequency attached by ClinVar (database versions not stated): 1000 Genomes Project 0.00020; 1000 Genomes Project 30x 0.00031; ESP Exome Variant Server 0.00055; ExAC 0.00058; gnomAD 0.00083; TOPMed 0.00094; gnomAD exomes 0.00134.
gnomAD v4.1: 2,068 of 1,613,454 alleles (0.13%); highest among the groups gnomAD compares: Non-Finnish European, 0.16%; 6 homozygotes.

Submissions (4):

CeGaT Center for Human Genetics Tuebingen
Classification: Likely benign. Last evaluated: 2026-07-01. Review status: criteria provided, single submitter. Criteria: CeGaT Center For Human Genetics Tuebingen Variant Classification Criteria Version 2. Collection method: clinical testing. Allele origin: germline. Affected: yes. Observed: 6 variant alleles.
Comment: MAPK8IP3: BS1

Blueprint Genetics
Classification: Likely benign. Last evaluated: 2024-11-15. Review status: criteria provided, single submitter. Criteria: ACMG Guidelines, 2015. Collection method: clinical testing. Allele origin: germline.

Ambry Genetics
Classification: Likely benign for Inborn genetic diseases. Last evaluated: 2021-08-13. Review status: criteria provided, single submitter. Criteria: Ambry Variant Classification Scheme 2023. Collection method: clinical testing. Allele origin: germline.

PreventionGenetics, part of Exact Sciences
Classification: Likely benign for MAPK8IP3-related condition. Last evaluated: 2022-08-23. Review status: no assertion criteria provided. Collection method: clinical testing. Allele origin: germline. Not counted in ClinVar's aggregate classification.
Comment: This variant is classified as likely benign based on ACMG/AMP sequence variant interpretation guidelines (Richards et al. 2015 PMID: 25741868, with internal and published modifications).

NM_001318852.2(MAPK8IP3):c.3175C>T (p.Arg1059Cys)

Gene: MAPK8IP3 (mitogen-activated protein kinase 8 interacting protein 3; plus strand). Cytogenetic location: 16p13.3.
Variant type: single nucleotide variant.
Coding change: c.3175C>T on transcript NM_001318852.2 (MANE Select); coding-DNA position 3175, C replaced by T.
Protein change: p.Arg1059Cys; replaces arginine 1059 with cysteine.
Molecular consequence: missense variant.
Genome position (GRCh38, 1-based): chr16:1,767,235, C>T. VCF-style: chr16-1767235-C-T. GRCh37 (hg19) VCF-style: chr16-1817236-C-T.
Other names: c.3175C>T (NM_001318852.1); c.3172C>T (NM_015133.3); c.3154C>T, p.Arg1052Cys (NM_001040439.2); c.3172C>T, p.Arg1058Cys (NM_015133.5, NM_033392.3); short protein forms R1052C, R1058C, R1059C.
Identifiers: ClinVar variation 2645933 (VCV002645933.26), dbSNP rs201670194, ClinGen allele CA7817572.
Genomic context (GRCh38, chr16:1,767,235, plus strand): 5'-CACCTAATGGACCTGGGCCACCCGCACCACTCCATCCGCTGCATGGCTGTTGTGTACGAC[C>T]GCGTGTGGTGTGGCTACAAGAACAAGGTGCACGTCATCCAGCCCAAGACCATGCAGATAG-3'
Protein context (NP_001305781.1, residues 1049-1069): SIRCMAVVYD[Arg1059Cys]VWCGYKNKVH